The following is an entry in ClinVar:

ClinVar aggregate classification (germline): Uncertain significance. Review status: criteria provided, multiple submitters, no conflicts (2 of 4 stars). 4 submissions from 4 submitters: Uncertain significance (4). Last evaluated 2025-07-31.

Conditions:
Familial cancer of breast. Also called: Hereditary breast cancer; BREAST CANCER, FAMILIAL; hereditary breast carcinoma. Identifiers: Orphanet 227535, MedGen C0346153, MONDO:0016419, OMIM 114480. Disease mechanism: loss of function.
Hereditary cancer-predisposing syndrome. Also called: Hereditary neoplastic syndrome; Tumor predisposition; Neoplastic Syndromes, Hereditary; Hereditary Cancer Syndrome. Identifiers: Orphanet 140162, MedGen C0027672, MeSH D009386, MONDO:0015356.

Submissions (4):

Labcorp Genetics (formerly Invitae), Labcorp
Classification: Uncertain significance for Familial cancer of breast. Last evaluated: 2025-07-31. Review status: criteria provided, single submitter. Criteria: Invitae Variant Classification Sherloc (09022015). Collection method: clinical testing. Allele origin: germline.
Comment: This sequence change replaces serine, which is neutral and polar, with glycine, which is neutral and non-polar, at codon 37 of the BARD1 protein (p.Ser37Gly). This variant is not present in population databases (gnomAD no frequency). This variant has not been reported in the literature in individuals affected with BARD1-related conditions. ClinVar contains an entry for this variant (Variation ID: 418984). An algorithm developed to predict the effect of missense changes on protein structure and function (PolyPhen-2) suggests that this variant is likely to be disruptive. In summary, the available evidence is currently insufficient to determine the role of this variant in disease. Therefore, it has been classified as a Variant of Uncertain Significance.

Ambry Genetics
Classification: Uncertain significance for Hereditary cancer-predisposing syndrome. Last evaluated: 2025-06-13. Review status: criteria provided, single submitter. Criteria: Ambry Variant Classification Scheme 2023. Collection method: clinical testing. Allele origin: germline.
Comment: The p.S37G variant (also known as c.109A>G), located in coding exon 1 of the BARD1 gene, results from an A to G substitution at nucleotide position 109. The serine at codon 37 is replaced by glycine, an amino acid with similar properties. This amino acid position is well conserved in available vertebrate species. In addition, this alteration is predicted to be tolerated by in silico analysis. Since supporting evidence is limited at this time, the clinical significance of this alteration remains unclear.

Sema4
Classification: Uncertain significance for Hereditary cancer-predisposing syndrome. Last evaluated: 2021-12-05. Review status: criteria provided, single submitter. Criteria: Sema4 Curation Guidelines. Collection method: curation. Allele origin: germline.
Comment: The BARD1 c.109A>G (p.S37G) variant has not been reported in the literature to our knowledge. It was not observed in the large and broad cohorts of the Genome Aggregation Database. The variant has been reported in ClinVar (Variation ID 418984). Functional studies have not been performed, and in silico predictions of the variant's effect on protein function are inconclusive. The evidence is insufficient to meet ACMG/AMP criteria for classifying the variant as benign or pathogenic. Thus, the clinical significance of this variant is currently uncertain.

GeneDx
Classification: Uncertain significance. Last evaluated: 2015-05-04. Review status: criteria provided, single submitter. Criteria: GeneDx Variant Classification (06012015). Collection method: clinical testing. Allele origin: germline. Affected: yes.
Comment: This variant is denoted BARD1 c.109A>G at the cDNA level, p.Ser37Gly (S37G) at the protein level, and results in the change of a Serine to a Glycine (AGT>GGT). This variant has not, to our knowledge, been published in the literature as pathogenic or benign. BARD1 Ser37Gly was not observed in approximately 6,500 individuals of European and African American ancestry in the NHLBI Exome Sequencing Project, indicating it is not a common benign variant in these populations. Since Serine and Glycine differ in polarity, charge, size or other properties, this is considered a non-conservative amino acid substitution. BARD1 Ser37Gly occurs at a position where amino acids with properties similar to Serine are tolerated across species and is located in the region of interaction with BRCA1 (UniProt). In silico analyses are inconsistent regarding the effect this variant may have on protein structure and function. Based on currently available information, it is unclear whether BARD1 Ser37Gly is pathogenic or benign. We consider it to be a variant of uncertain significance.

NM_000465.4(BARD1):c.109A>G (p.Ser37Gly)

Gene: BARD1 (BRCA1 associated RING domain 1; minus strand). Cytogenetic location: 2q35.
Variant type: single nucleotide variant.
Coding change: c.109A>G on transcript NM_000465.4 (MANE Select); coding-DNA position 109, A replaced by G.
Protein change: p.Ser37Gly; replaces serine 37 with glycine.
Molecular consequence: missense variant. On other transcripts: non-coding transcript variant (3).
Genome position (GRCh38, 1-based): chr2:214,809,461, T>C on the plus strand (A>G on the coding strand, the complement: BARD1 is on the minus strand). VCF-style: chr2-214809461-T-C. GRCh37 (hg19) VCF-style: chr2-215674185-T-C.
Other names: c.109A>G, p.Ser37Gly (NM_001282543.2, NM_001282545.2, NM_001282548.2 and 1 more transcripts); short protein forms S37G.
Identifiers: ClinVar variation 418984 (VCV000418984.15), dbSNP rs1064793565, ClinGen allele CA16617459.